The following is an entry in ClinVar:

ClinVar aggregate classification (germline): Uncertain significance. Review status: criteria provided, multiple submitters, no conflicts (2 of 4 stars). 2 submissions from 2 submitters: Uncertain significance (2). Last evaluated 2026-01-10.

Conditions:
Hereditary cancer-predisposing syndrome. Also called: Neoplastic Syndromes, Hereditary; Hereditary neoplastic syndrome; Hereditary Cancer Syndrome; Tumor predisposition. Identifiers: Orphanet 140162, MedGen C0027672, MeSH D009386, MONDO:0015356.
POLD1-related polyposis and colorectal cancer syndrome (CRCS10). Also called: Colorectal cancer, susceptibility to, 10; Colorectal cancer 10; COLORECTAL CANCER, SUSCEPTIBILITY TO, ON CHROMOSOME 19q. Identifiers: Orphanet 220460, MedGen C2675481, MONDO:0012953, OMIM 612591.

gnomAD v4.1: 2 of 1,612,338 alleles (0.00012%); highest among the groups gnomAD compares: Non-Finnish European, 0.00017%; no homozygotes.

Submissions (2):

Labcorp Genetics (formerly Invitae), Labcorp
Classification: Uncertain significance for POLD1-related polyposis and colorectal cancer syndrome. Last evaluated: 2026-01-10. Review status: criteria provided, single submitter. Criteria: Invitae Variant Classification Sherloc (09022015). Collection method: clinical testing. Allele origin: germline.
Comment: This sequence change replaces valine, which is neutral and non-polar, with phenylalanine, which is neutral and non-polar, at codon 261 of the POLD1 protein (p.Val261Phe). This variant is not present in population databases (gnomAD no frequency). This variant has not been reported in the literature in individuals affected with POLD1-related conditions. ClinVar contains an entry for this variant (Variation ID: 408027). Invitae Evidence Modeling of protein sequence and biophysical properties (such as structural, functional, and spatial information, amino acid conservation, physicochemical variation, residue mobility, and thermodynamic stability) indicates that this missense variant is not expected to disrupt POLD1 protein function with a negative predictive value of 80%. In summary, the available evidence is currently insufficient to determine the role of this variant in disease. Therefore, it has been classified as a Variant of Uncertain Significance.

Ambry Genetics
Classification: Uncertain significance for Hereditary cancer-predisposing syndrome. Last evaluated: 2024-03-09. Review status: criteria provided, single submitter. Criteria: Ambry Variant Classification Scheme 2023. Collection method: clinical testing. Allele origin: germline.
Comment: The p.V261F variant (also known as c.781G>T), located in coding exon 6 of the POLD1 gene, results from a G to T substitution at nucleotide position 781. The valine at codon 261 is replaced by phenylalanine, an amino acid with highly similar properties. This amino acid position is conserved. In addition, the in silico prediction for this alteration is inconclusive. Since supporting evidence is limited at this time, the clinical significance of this alteration remains unclear.

NM_002691.4(POLD1):c.781G>T (p.Val261Phe)

Gene: POLD1 (DNA polymerase delta 1, catalytic subunit; plus strand). Cytogenetic location: 19q13.33.
Variant type: single nucleotide variant.
Coding change: c.781G>T on transcript NM_002691.4 (MANE Select); coding-DNA position 781, G replaced by T.
Protein change: p.Val261Phe; replaces valine 261 with phenylalanine.
Molecular consequence: missense variant. On other transcripts: non-coding transcript variant (1).
Genome position (GRCh38, 1-based): chr19:50,402,476, G>T. VCF-style: chr19-50402476-G-T. GRCh37 (hg19) VCF-style: chr19-50905733-G-T.
Other names: c.781G>T, p.Val261Phe (NM_001256849.1, NM_001308632.1); short protein forms V261F.
Identifiers: ClinVar variation 408027 (VCV000408027.11), dbSNP rs765448811, ClinGen allele CA16616339.
Genomic context (GRCh38, chr19:50,402,476, plus strand): 5'-CGGGCAGCCCCTGTCCACTGACCCCCAGCCCCCTCCAGGTTCATGGTGGACACGGACATC[G>T]TCGGCTGCAACTGGCTGGAGCTCCCAGCTGGGAAATACGCCCTGAGGCTGAAGGAGAAGG-3'
Protein context (NP_002682.2, residues 251-271): EIRFMVDTDI[Val261Phe]GCNWLELPAG